The following is an entry in ClinVar:

ClinVar aggregate classification (germline): Likely pathogenic (1 of 4 stars; one submission).

Submission:

CeGaT Center for Human Genetics Tuebingen
Classification: Likely pathogenic. Last evaluated: 2024-03-01. Review status: criteria provided, single submitter. Criteria: CeGaT Center For Human Genetics Tuebingen Variant Classification Criteria Version 2. Collection method: clinical testing. Allele origin: germline. Affected: yes. Observed: 2 variant alleles.
Comment: ACTA1: PM1, PM2, PP2, PP3

NM_001100.4(ACTA1):c.646G>A (p.Glu216Lys)

Gene: ACTA1 (actin alpha 1, skeletal muscle; minus strand). Cytogenetic location: 1q42.13.
Variant type: single nucleotide variant.
Coding change: c.646G>A on transcript NM_001100.4 (MANE Select); coding-DNA position 646, G replaced by A.
Protein change: p.Glu216Lys; replaces glutamic acid 216 with lysine.
Molecular consequence: missense variant.
Genome position (GRCh38, 1-based): chr1:229,432,156, C>T on the plus strand (G>A on the coding strand, the complement: ACTA1 is on the minus strand). VCF-style: chr1-229432156-C-T. GRCh37 (hg19) VCF-style: chr1-229567903-C-T.
Other names: short protein forms E216K.
Identifiers: ClinVar variation 2640061 (VCV002640061.24), dbSNP rs2527437375, ClinGen allele CA345147303.
Genomic context (GRCh38, chr1:229,432,156, plus strand): 5'-AGGAGGAGGCGGCCGTCGCCATCTCGTTCTCGAAGTCCAGGGCCACGTAGCACAGCTTCT[C>T]CTTGATGTCGCGCACGATCTCGCGCTCAGCTGCGGAGGGCAGAAGCAGGAGAGGAGCCCT-3'
Protein context (NP_001091.1, residues 206-226): AEREIVRDIK[Glu216Lys]KLCYVALDFE